The following is an entry in ClinVar:

ClinVar aggregate classification (germline): Uncertain significance (1 of 4 stars; one submission).

Conditions:
Charcot-Marie-Tooth disease axonal type 2U. Also called: CHARCOT-MARIE-TOOTH NEUROPATHY, TYPE 2U; CHARCOT-MARIE-TOOTH DISEASE, AXONAL, AUTOSOMAL DOMINANT, TYPE 2U. Identifiers: Orphanet 397735, MedGen C4084821, MONDO:0014566, OMIM 616280.
Severe early-onset pulmonary alveolar proteinosis due to MARS deficiency. Also called: PULMONARY ALVEOLAR PROTEINOSIS, REUNION ISLAND; Interstitial lung and liver disease. Identifiers: Orphanet 440427, MedGen C4225400, MONDO:0014206, OMIM 615486.

Submission:

Labcorp Genetics (formerly Invitae), Labcorp
Classification: Uncertain significance for Charcot-Marie-Tooth disease axonal type 2U; Severe early-onset pulmonary alveolar proteinosis due to MARS deficiency. Last evaluated: 2025-03-07. Review status: criteria provided, single submitter. Criteria: Invitae Variant Classification Sherloc (09022015). Collection method: clinical testing. Allele origin: germline.
Comment: This sequence change replaces serine, which is neutral and polar, with proline, which is neutral and non-polar, at codon 712 of the MARS protein (p.Ser712Pro). This variant is not present in population databases (gnomAD no frequency). This variant has not been reported in the literature in individuals affected with MARS-related conditions. ClinVar contains an entry for this variant (Variation ID: 2043888). An algorithm developed to predict the effect of missense changes on protein structure and function (PolyPhen-2) suggests that this variant is likely to be disruptive. In summary, the available evidence is currently insufficient to determine the role of this variant in disease. Therefore, it has been classified as a Variant of Uncertain Significance.

NM_004990.4(MARS1):c.2134T>C (p.Ser712Pro)

Gene: MARS1 (methionyl-tRNA synthetase 1; plus strand). Cytogenetic location: 12q13.3.
Variant type: single nucleotide variant.
Coding change: c.2134T>C on transcript NM_004990.4 (MANE Select); coding-DNA position 2134, T replaced by C.
Protein change: p.Ser712Pro; replaces serine 712 with proline.
Molecular consequence: missense variant.
Genome position (GRCh38, 1-based): chr12:57,514,988, T>C. VCF-style: chr12-57514988-T-C. GRCh37 (hg19) VCF-style: chr12-57908771-T-C.
Other names: short protein forms S712P.
Identifiers: ClinVar variation 2043888 (VCV002043888.4), dbSNP rs2540318916, ClinGen allele CA385465282.
Genomic context (GRCh38, chr12:57,514,988, plus strand): 5'-CCTTGGCCTGCTTCCTCCCTTCCCAGGATCCGGGATGCCTTGCGCAGTATCCTCACCATA[T>C]CTCGACATGGCAACCAATATATTCAGGTGAATGAGCCCTGGAAGCGGATTAAAGGCAGTG-3'
Protein context (NP_004981.2, residues 702-722): RDALRSILTI[Ser712Pro]RHGNQYIQVN